The following is an entry in ClinVar:

ClinVar aggregate classification (germline): Pathogenic (1 of 4 stars; one submission).

Conditions:
Asphyxiating thoracic dystrophy 5 (SRTD5). Also called: SHORT-RIB THORACIC DYSPLASIA 5 WITH OR WITHOUT POLYDACTYLY; SHORT-RIB THORACIC DYSPLASIA 5 WITHOUT POLYDACTYLY. Identifiers: Orphanet 474, MedGen C3280598, MONDO:0013717, OMIM 614376.
Senior-Loken syndrome 8 (SLSN8). Identifiers: Orphanet 3156, MedGen C4225376, MONDO:0014579, OMIM 616307.

Allele frequency attached by ClinVar (database versions not stated): gnomAD exomes below 0.00001; TOPMed below 0.00001.

Submission:

Labcorp Genetics (formerly Invitae), Labcorp
Classification: Pathogenic for Senior-Loken syndrome 8; Asphyxiating thoracic dystrophy 5. Last evaluated: 2022-09-27. Review status: criteria provided, single submitter. Criteria: Invitae Variant Classification Sherloc (09022015). Collection method: clinical testing. Allele origin: germline.
Comment: This sequence change creates a premature translational stop signal (p.Ile1153Phefs*7) in the WDR19 gene. It is expected to result in an absent or disrupted protein product. Loss-of-function variants in WDR19 are known to be pathogenic (PMID: 22019273, 23559409, 23683095, 26275793, 27241786, 29068549). For these reasons, this variant has been classified as Pathogenic. This variant has not been reported in the literature in individuals affected with WDR19-related conditions. This variant is present in population databases (no rsID available, gnomAD 0.006%).

Literature cited by the submitters: PubMed 22019273; PubMed 23559409; PubMed 23683095; PubMed 26275793; PubMed 27241786; PubMed 29068549.

NM_025132.4(WDR19):c.3457del (p.Ile1153fs)

Gene: WDR19 (WD repeat domain 19; plus strand). Cytogenetic location: 4p14.
Variant type: Deletion.
Coding change: c.3457del on transcript NM_025132.4 (MANE Select); coding-DNA position 3457, one base deleted (A; older notation c.3457delA).
Protein change: p.Ile1153fs; shifts the reading frame from isoleucine 1153.
Molecular consequence: frameshift variant.
Genome position (GRCh38, 1-based): chr4:39,270,074, A deleted. VCF-style (leftmost placement, unchanged base first): chr4-39270073-GA-G. GRCh37 (hg19) VCF-style: chr4-39271693-GA-G.
Other names: c.2977del, p.Ile993fs (NM_001317924.2); short protein forms I993fs, I1153fs.
Identifiers: ClinVar variation 2011472 (VCV002011472.4), dbSNP rs1183249870, ClinGen allele CA550722229.